The following is an entry in ClinVar:

ClinVar aggregate classification (germline): Pathogenic (1 of 4 stars; one submission).

Conditions:
Breast-ovarian cancer, familial, susceptibility to, 1 (BROVCA1). Also called: BRCA1 Hereditary Breast and Ovarian Cancer; OVARIAN CANCER, SUSCEPTIBILITY TO. Identifiers: Orphanet 145, MedGen C2676676, MONDO:0011450, OMIM 604370. Disease mechanism: loss of function.

Submissions (2):

Consortium of Investigators of Modifiers of BRCA1/2 (CIMBA), c/o University of Cambridge
Classification: Pathogenic for Breast-ovarian cancer, familial, susceptibility to, 1. Last evaluated: 2015-10-02. Review status: criteria provided, single submitter. Criteria: CIMBA Mutation Classification guidelines May 2016. Collection method: clinical testing. Allele origin: germline.

Brotman Baty Institute, University of Washington
No classification provided (evidence only). Condition: Breast-ovarian cancer, familial 1. Review status: no classification provided. Collection method: in vitro. Allele origin: not applicable. Functional consequence: functionally_abnormal. Not counted in ClinVar's aggregate classification.
ClinVar note: "not provided" was previously submitted as the classification for the variant. However, the classification appeared to be based only on an observation of functional data so it was converted to no classification on 2025-07-30.

NM_007294.4(BRCA1):c.80+2T>A

Gene: BRCA1 (BRCA1 DNA repair associated; minus strand). Cytogenetic location: 17q21.31.
Variant type: single nucleotide variant.
Coding change: c.80+2T>A on transcript NM_007294.4 (MANE Select); the canonical splice donor site of the intron after coding-DNA position 80, T replaced by A.
Molecular consequence: splice donor variant. On other transcripts: intron variant (36).
Genome position (GRCh38, 1-based): chr17:43,124,015, A>T on the plus strand (T>A on the coding strand, the complement: BRCA1 is on the minus strand). VCF-style: chr17-43124015-A-T. GRCh37 (hg19) VCF-style: chr17-41276032-A-T.
Other names: c.-109+2T>A (NM_001407907.1, NM_001407879.1, NM_001407956.1 and 46 more transcripts); c.80+2T>A (NM_001408450.1, NM_001408434.1, NM_001407672.1 and 192 more transcripts); c.-228+2T>A (NM_001407917.1, NM_001408513.1, NM_001407954.1); c.-181+2T>A (NM_001408462.1, NM_001407838.1, NM_001408410.1 and 22 more transcripts); c.-55+2T>A (NM_001407902.1, NM_001407898.1, NM_001407881.1); c.-178+2T>A (NM_001407724.1, NM_001408468.1, NM_001407842.1 and 11 more transcripts); c.-207+2T>A (NM_001407697.1, NM_001407846.1, NM_001407920.1); c.-185+2T>A (NM_001407741.1, NM_001407934.1, NM_001408497.1); and 23 more.
Identifiers: ClinVar variation 267620 (VCV000267620.7), dbSNP rs80358128, ClinGen allele CA10601995.
Genomic context (GRCh38, chr17:43,124,015, plus strand): 5'-GTTCATTTGCATAGGAGATAATCATAGGAATCCCAAATTAATACACTCTTGTGCTGACTT[A>T]CCAGATGGGACACTCTAAGATTTTCTGCATAGCATTAATGACATTTTGTACTTCTTCAAC-3'